The following is an entry in ClinVar:

NM_001330260.2(SCN8A):c.1818G>C (p.Arg606=)

Gene: SCN8A (sodium voltage-gated channel alpha subunit 8; plus strand). Cytogenetic location: 12q13.13.
Variant type: single nucleotide variant.
Coding change: c.1818G>C on transcript NM_001330260.2 (MANE Select); coding-DNA position 1818, G replaced by C.
Protein change: p.Arg606=; no amino-acid change (arginine 606 retained).
Molecular consequence: synonymous variant.
Genome position (GRCh38, 1-based): chr12:51,721,728, G>C. VCF-style: chr12-51721728-G-C. GRCh37 (hg19) VCF-style: chr12-52115512-G-C.
Other names: c.1818G>C, p.Arg606= (NM_001177984.3, NM_001369788.1, NM_014191.4).
Identifiers: ClinVar variation 518020 (VCV000518020.13), dbSNP rs777424314, ClinGen allele CA6571336.
Genomic context (GRCh38, chr12:51,721,728, plus strand): 5'-CGAGCACAGCACGGTGGAGGAGAGCGAGGGCCGCCGGGACTCCCTCTTCATCCCCATCCG[G>C]GCCCGCGAGCGCCGGAGCAGCTACAGCGGCTACAGCGGCTACAGCCAGGGCAGCCGCTCC-3'
Protein context (NP_001317189.1, residues 596-616): GRRDSLFIPI[Arg606=]ARERRSSYSG

ClinVar aggregate classification (germline): Likely benign. Review status: criteria provided, multiple submitters, no conflicts (2 of 4 stars). 4 submissions from 4 submitters: Likely benign (3). 1 of the submissions does not count toward it. Last evaluated 2025-05-14.

Conditions:
SCN8A-related disorder.
Inborn genetic diseases. Identifiers: MedGen C0950123, MeSH D030342.
Early-infantile DEE. Also called: Early infantile epileptic encephalopathy; Ohtahara syndrome; Early infantile epileptic encephalopathy with suppression bursts. Identifiers: Orphanet 1934, MedGen C0393706, MONDO:0800491.

Allele frequency attached by ClinVar (database versions not stated): gnomAD exomes below 0.00001 and 0.00001; ExAC 0.00002; gnomAD 0.00002; TOPMed 0.00002.
gnomAD v4.1: 8 of 1,596,572 alleles (0.0005%); highest among the groups gnomAD compares: African/African-American, 0.0067%; no homozygotes.

Submissions (4):

Labcorp Genetics (formerly Invitae), Labcorp
Classification: Likely benign for Early-infantile DEE. Last evaluated: 2025-05-14. Review status: criteria provided, single submitter. Criteria: Invitae Variant Classification Sherloc (09022015). Collection method: clinical testing. Allele origin: germline.

Ambry Genetics
Classification: Likely benign for Inborn genetic diseases. Last evaluated: 2019-10-02. Review status: criteria provided, single submitter. Criteria: Ambry Variant Classification Scheme 2023. Collection method: clinical testing. Allele origin: germline.

GeneDx
Classification: Likely benign. Last evaluated: 2017-06-07. Review status: criteria provided, single submitter. Criteria: GeneDx Variant Classification (06012015). Collection method: clinical testing. Allele origin: germline. Affected: yes.
Comment: This variant is considered likely benign or benign based on one or more of the following criteria: it is a conservative change, it occurs at a poorly conserved position in the protein, it is predicted to be benign by multiple in silico algorithms, and/or has population frequency not consistent with disease.

PreventionGenetics, part of Exact Sciences
Classification: Likely benign for SCN8A-related condition. Last evaluated: 2024-08-22. Review status: no assertion criteria provided. Collection method: clinical testing. Allele origin: germline. Not counted in ClinVar's aggregate classification.
Comment: This variant is classified as likely benign based on ACMG/AMP sequence variant interpretation guidelines (Richards et al. 2015 PMID: 25741868, with internal and published modifications).